The following is an entry in ClinVar:

ClinVar aggregate classification (germline): Uncertain significance (1 of 4 stars; one submission).

Conditions:
Very long chain acyl-CoA dehydrogenase deficiency (ACADVLD). Also called: VLCAD Deficiency; Very Long-Chain Acyl-Coenzyme A Dehydrogenase Deficiency. Identifiers: Orphanet 26793, MedGen C3887523, MONDO:0008723, OMIM 201475.

Submission:

Labcorp Genetics (formerly Invitae), Labcorp
Classification: Uncertain significance for Very long chain acyl-CoA dehydrogenase deficiency. Last evaluated: 2024-05-16. Review status: criteria provided, single submitter. Criteria: Invitae Variant Classification Sherloc (09022015). Collection method: clinical testing. Allele origin: germline.
Comment: This sequence change replaces glutamic acid, which is acidic and polar, with aspartic acid, which is acidic and polar, at codon 424 of the ACADVL protein (p.Glu424Asp). This variant is not present in population databases (gnomAD no frequency). This missense change has been observed in individual(s) with a positive newborn screening result for ACADVL-related disease (Invitae). An algorithm developed to predict the effect of missense changes on protein structure and function (PolyPhen-2) suggests that this variant¬†is likely to be tolerated. In summary, the available evidence is currently insufficient to determine the role of this variant in disease. Therefore, it has been classified as a Variant of Uncertain Significance.

NM_000018.4(ACADVL):c.1272G>C (p.Glu424Asp)

Gene: ACADVL (acyl-CoA dehydrogenase very long chain; plus strand). Cytogenetic location: 17p13.1.
Variant type: single nucleotide variant.
Coding change: c.1272G>C on transcript NM_000018.4 (MANE Select); coding-DNA position 1272, G replaced by C.
Protein change: p.Glu424Asp; replaces glutamic acid 424 with aspartic acid.
Molecular consequence: missense variant.
Genome position (GRCh38, 1-based): chr17:7,223,815, G>C. VCF-style: chr17-7223815-G-C. GRCh37 (hg19) VCF-style: chr17-7127134-G-C.
Other names: c.1206G>C, p.Glu402Asp (NM_001033859.3); c.1341G>C, p.Glu447Asp (NM_001270447.2); c.1044G>C, p.Glu348Asp (NM_001270448.2); short protein forms E348D, E402D, E424D, E447D.
Identifiers: ClinVar variation 3603588 (VCV003603588.1).